The following is an entry in ClinVar:

ClinVar aggregate classification (germline): Likely benign (1 of 4 stars; one submission).

Conditions:
Multiple endocrine neoplasia, type 1 (MEN1). Also called: MEN I; WERMER SYNDROME; Endocrine adenomatosis multiple; MEN 1; MEA I. Identifiers: Orphanet 652, MedGen C0025267, MeSH D018761, MONDO:0007540, OMIM 131100.

Submission:

Myriad Genetics, Inc.
Classification: Likely benign for Multiple endocrine neoplasia, type 1. Last evaluated: 2024-11-04. Review status: criteria provided, single submitter. Criteria: Myriad Autosomal Dominant, Autosomal Recessive and X-Linked Classification Criteria (2023). Collection method: clinical testing. Allele origin: unknown.
Comment: This variant is considered likely benign. This variant is intronic and is not expected to impact mRNA splicing.

NM_001370259.2(MEN1):c.825-20G>A

Gene: MEN1 (menin 1; minus strand). Cytogenetic location: 11q13.1.
Variant type: single nucleotide variant.
Coding change: c.825-20G>A on transcript NM_001370259.2 (MANE Select); 20 bases into the intron before coding-DNA position 825, G replaced by A.
Molecular consequence: intron variant.
Genome position (GRCh38, 1-based): chr11:64,807,118, C>T on the plus strand (G>A on the coding strand, the complement: MEN1 is on the minus strand). VCF-style: chr11-64807118-C-T. GRCh37 (hg19) VCF-style: chr11-64574590-C-T.
Other names: c.840-20G>A (NM_130804.3, NM_130803.3, NM_000244.4 and 5 more transcripts); c.720-20G>A (NM_001407148.1, NM_001407149.1, NM_001407151.1 and 2 more transcripts); c.825-20G>A (NM_130799.3, NM_001407144.1, NM_001370260.2 and 7 more transcripts).
Identifiers: ClinVar variation 3773335 (VCV003773335.1).